The following is an entry in ClinVar:

NM_201596.3(CACNB2):c.877G>T (p.Gly293Cys)

Gene: CACNB2 (calcium voltage-gated channel auxiliary subunit beta 2; plus strand). Cytogenetic location: 10p12.31.
Variant type: single nucleotide variant.
Coding change: c.877G>T on transcript NM_201596.3 (MANE Select); coding-DNA position 877, G replaced by T.
Protein change: p.Gly293Cys; replaces glycine 293 with cysteine.
Molecular consequence: missense variant.
Genome position (GRCh38, 1-based): chr10:18,518,408, G>T. VCF-style: chr10-18518408-G-T. GRCh37 (hg19) VCF-style: chr10-18807337-G-T.
Other names: c.712G>T, p.Gly238Cys (NM_000724.4); c.679G>T, p.Gly227Cys (NM_001167945.2); c.598G>T, p.Gly200Cys (NM_001330060.2); c.619G>T, p.Gly207Cys (NM_001410882.1); c.733G>T, p.Gly245Cys (NM_201570.3); c.793G>T, p.Gly265Cys (NM_201571.4); c.721G>T, p.Gly241Cys (NM_201572.4); c.715G>T, p.Gly239Cys (NM_201590.3); and 2 more; short protein forms G200C, G207C, G227C, G238C, G239C, G241C, G245C, G255C.
Identifiers: ClinVar variation 4868128 (VCV004868128.1).

ClinVar aggregate classification (germline): Uncertain significance (1 of 4 stars; one submission).

Conditions:
Cardiovascular phenotype. Identifiers: MedGen CN230736.

Submission:

Ambry Genetics
Classification: Uncertain significance for Cardiovascular phenotype. Last evaluated: 2026-05-14. Review status: criteria provided, single submitter. Criteria: Ambry Variant Classification Scheme 2023. Collection method: clinical testing. Allele origin: germline.
Comment: The p.G239C variant (also known as c.715G>T), located in coding exon 7 of the CACNB2 gene, results from a G to T substitution at nucleotide position 715. The glycine at codon 239 is replaced by cysteine, an amino acid with highly dissimilar properties. This amino acid position is conserved. In addition, this alteration is predicted to be deleterious by in silico analysis. Based on the available evidence, the clinical significance of this variant remains unclear.